The following is an entry in ClinVar:

NM_032380.5(GFM2):c.1667A>G (p.Tyr556Cys)

Gene: GFM2 (GTP dependent ribosome recycling factor mitochondrial 2; minus strand). Cytogenetic location: 5q13.3.
Variant type: single nucleotide variant.
Coding change: c.1667A>G on transcript NM_032380.5 (MANE Select); coding-DNA position 1667, A replaced by G.
Protein change: p.Tyr556Cys; replaces tyrosine 556 with cysteine.
Molecular consequence: missense variant.
Genome position (GRCh38, 1-based): chr5:74,730,319, T>C on the plus strand (A>G on the coding strand, the complement: GFM2 is on the minus strand). VCF-style: chr5-74730319-T-C. GRCh37 (hg19) VCF-style: chr5-74026144-T-C.
Other names: c.1763A>G, p.Tyr588Cys (NM_001281302.2); c.1526A>G, p.Tyr509Cys (NM_170691.3); short protein forms Y556C, Y588C, Y509C.
Identifiers: ClinVar variation 1462150 (VCV001462150.8), dbSNP rs2112229848, ClinGen allele CA360077954.

ClinVar aggregate classification (germline): Uncertain significance (1 of 4 stars; one submission).

Allele frequency attached by ClinVar (database versions not stated): gnomAD exomes 0.00001.
gnomAD v4.1: 7 of 1,613,210 alleles (0.00043%); highest among the groups gnomAD compares: Non-Finnish European, 0.00051%; no homozygotes.

Submission:

Labcorp Genetics (formerly Invitae), Labcorp
Classification: Uncertain significance. Last evaluated: 2023-06-19. Review status: criteria provided, single submitter. Criteria: Invitae Variant Classification Sherloc (09022015). Collection method: clinical testing. Allele origin: germline.
Comment: In summary, the available evidence is currently insufficient to determine the role of this variant in disease. Therefore, it has been classified as a Variant of Uncertain Significance. Advanced modeling of protein sequence and biophysical properties (such as structural, functional, and spatial information, amino acid conservation, physicochemical variation, residue mobility, and thermodynamic stability) performed at Invitae indicates that this missense variant is not expected to disrupt GFM2 protein function. ClinVar contains an entry for this variant (Variation ID: 1462150). This variant has not been reported in the literature in individuals affected with GFM2-related conditions. This variant is not present in population databases (gnomAD no frequency). This sequence change replaces tyrosine, which is neutral and polar, with cysteine, which is neutral and slightly polar, at codon 556 of the GFM2 protein (p.Tyr556Cys).